The following is an entry in ClinVar:

NM_001378454.1(ALMS1):c.296C>T (p.Ser99Leu)

Gene: ALMS1 (ALMS1 centrosome and basal body associated protein; plus strand). Cytogenetic location: 2p13.1.
Variant type: single nucleotide variant.
Coding change: c.296C>T on transcript NM_001378454.1 (MANE Select); coding-DNA position 296, C replaced by T.
Protein change: p.Ser99Leu; replaces serine 99 with leucine.
Molecular consequence: missense variant.
Genome position (GRCh38, 1-based): chr2:73,386,164, C>T. VCF-style: chr2-73386164-C-T. GRCh37 (hg19) VCF-style: chr2-73613292-C-T.
Other names: c.299C>T, p.Ser100Leu (NM_015120.4); short protein forms S99L, S100L.
Identifiers: ClinVar variation 2626199 (VCV002626199.3), dbSNP rs1553396296, ClinGen allele CA347251017.

ClinVar aggregate classification (germline): Uncertain significance. Review status: criteria provided, multiple submitters, no conflicts (2 of 4 stars). 2 submissions from 2 submitters: Uncertain significance (2). Last evaluated 2026-06-30.

Conditions:
Cardiovascular phenotype. Identifiers: MedGen CN230736.
Alstrom syndrome (ALMS). Identifiers: Orphanet 64, MedGen C0268425, MONDO:0008763, OMIM 203800.

Submissions (2):

Helix
Classification: Uncertain significance for Alstrom syndrome. Last evaluated: 2026-06-30. Review status: criteria provided, single submitter. Criteria: ACMG Guidelines, 2015. Collection method: clinical testing. Allele origin: germline. Inheritance: Autosomal recessive inheritance.
Comment: This variant (NM_001378454.1:c.296C>T p.Ser99Leu) results in the substitution of serine with leucine at codon 99 in the ALMS1 protein. It is a rare variant that is absent from the large gnomAD population database (v4.1). To our knowledge, this variant has not been reported in individuals with ALMS1-related conditions in the published literature. In silico prediction from REVEL (PMID: 27666373) suggests that this variant may be benign. This variant is present in ClinVar (Accession: VCV002626199.2). In conclusion, since the available evidence is limited, the clinical significance of this variant is unclear at this time. Therefore, it is classified as a Variant of Uncertain Significance.

Ambry Genetics
Classification: Uncertain significance for Cardiovascular phenotype. Last evaluated: 2023-08-25. Review status: criteria provided, single submitter. Criteria: Ambry Variant Classification Scheme 2023. Collection method: clinical testing. Allele origin: germline.
Comment: The p.S100L variant (also known as c.299C>T), located in coding exon 1 of the ALMS1 gene, results from a C to T substitution at nucleotide position 299. The serine at codon 100 is replaced by leucine, an amino acid with dissimilar properties. This amino acid position is not well conserved in available vertebrate species. In addition, this alteration is predicted to be tolerated by in silico analysis. Since supporting evidence is limited at this time, the clinical significance of this alteration remains unclear.